The following is an entry in ClinVar:

ClinVar aggregate classification (germline): Uncertain significance (1 of 4 stars; one submission).

gnomAD v4.1: 34 of 1,608,084 alleles (0.0021%); highest among the groups gnomAD compares: Non-Finnish European, 0.0029%; no homozygotes.

Submission:

ARUP Laboratories, Molecular Genetics and Genomics, ARUP Laboratories
Classification: Uncertain significance. Last evaluated: 2020-11-18. Review status: criteria provided, single submitter. Criteria: ARUP Molecular Germline Variant Investigation Process 2021. Collection method: clinical testing. Allele origin: germline.
Comment: The TTN c.19667C>T; p.Ser6556Leu variant is rare in the general population (<0.2% allele frequency in the Genome Aggregation Database) and has not been reported in the medical literature in association with dilated cardiomyopathy (DCM) or other TTN-related disease. The clinical relevance of rare missense variants in this gene, which are identified on average once per individual sequenced in affected populations (Herman 2012), is not well understood. Yet, evidence suggests that the vast majority of such missense variants do not contribute to the clinical outcome of DCM (Begay 2015). Thus, the clinical significance of the p.Ser6556Leu variant cannot be determined with certainty. References: Begay RL et al. Role of Titin Missense Variants in Dilated Cardiomyopathy. J Am Heart Assoc. 2015 Nov 13;4(11). Herman DS et al. Truncations of titin causing dilated cardiomyopathy. N Engl J Med. 2012 Feb 16;366(7):619-28. Linke WA and Hamdani N. Gigantic business: titin properties and function through thick and thin. Circ Res 2014; 114(6): 1052-1068.

NM_001267550.2(TTN):c.19667C>T (p.Ser6556Leu)

Gene: TTN (titin; minus strand). Cytogenetic location: 2q31.2.
Variant type: single nucleotide variant.
Coding change: c.19667C>T on transcript NM_001267550.2 (MANE Select); coding-DNA position 19667, C replaced by T.
Protein change: p.Ser6556Leu; replaces serine 6556 with leucine.
Molecular consequence: missense variant. On other transcripts: intron variant (3).
Genome position (GRCh38, 1-based): chr2:178,728,157, G>A on the plus strand (C>T on the coding strand, the complement: TTN is on the minus strand). VCF-style: chr2-178728157-G-A. GRCh37 (hg19) VCF-style: chr2-179592884-G-A.
Other names: c.18716C>T, p.Ser6239Leu (NM_001256850.1); c.15935C>T, p.Ser5312Leu (NM_133378.4); c.13282+9925C>T (NM_003319.4); c.13858+9925C>T (NM_133437.4); c.13657+9925C>T (NM_133432.3); short protein forms S5312L, S6239L, S6556L.
Identifiers: ClinVar variation 1330451 (VCV001330451.7), dbSNP rs2154306280, ClinGen allele CA349552042.